The following is an entry in ClinVar:

ClinVar aggregate classification (germline): Likely pathogenic (1 of 4 stars; one submission).

Conditions:
Fanconi anemia (FA). Also called: Fanconi's anemia. Identifiers: Orphanet 84, MedGen C0015625, MeSH D005199, MONDO:0019391.

Submission:

Labcorp Genetics (formerly Invitae), Labcorp
Classification: Likely pathogenic for Fanconi anemia. Last evaluated: 2023-01-06. Review status: criteria provided, single submitter. Criteria: Invitae Variant Classification Sherloc (09022015). Collection method: clinical testing. Allele origin: germline.
Comment: In summary, the currently available evidence indicates that the variant is pathogenic, but additional data are needed to prove that conclusively. Therefore, this variant has been classified as Likely Pathogenic. Algorithms developed to predict the effect of sequence changes on RNA splicing suggest that this variant may disrupt the consensus splice site. This variant has not been reported in the literature in individuals affected with FANCA-related conditions. This variant is not present in population databases (gnomAD no frequency). This sequence change affects an acceptor splice site in intron 18 of the FANCA gene. It is expected to disrupt RNA splicing. Variants that disrupt the donor or acceptor splice site typically lead to a loss of protein function (PMID: 16199547), and loss-of-function variants in FANCA are known to be pathogenic (PMID: 19367192).

Literature cited by the submitters: PubMed 16199547; PubMed 19367192.

NM_000135.4(FANCA):c.1716-2A>G

Gene: FANCA (FA complementation group A; minus strand). Cytogenetic location: 16q24.3.
Variant type: single nucleotide variant.
Coding change: c.1716-2A>G on transcript NM_000135.4 (MANE Select); the canonical splice acceptor site of the intron before coding-DNA position 1716, A replaced by G.
Molecular consequence: splice acceptor variant.
Genome position (GRCh38, 1-based): chr16:89,779,005, T>C on the plus strand (A>G on the coding strand, the complement: FANCA is on the minus strand). VCF-style: chr16-89779005-T-C. GRCh37 (hg19) VCF-style: chr16-89845413-T-C.
Other names: c.1716-2A>G (NM_001286167.3).
Identifiers: ClinVar variation 2826483 (VCV002826483.3), dbSNP rs2143424712, ClinGen allele CA397455036.